The following is an entry in ClinVar:

ClinVar aggregate classification (germline): Likely benign. Review status: criteria provided, multiple submitters, no conflicts (2 of 4 stars). 4 submissions from 4 submitters: Likely benign (3). 1 of the submissions does not count toward it. Last evaluated 2025-05-16.

Conditions:
Inborn genetic diseases. Identifiers: MedGen C0950123, MeSH D030342.
CSPP1-related disorder. Also called: CSPP1-related condition.
Joubert syndrome 21 (JBTS21). Identifiers: MedGen C3810212, MONDO:0014288, OMIM 615636.

Allele frequency attached by ClinVar (database versions not stated): gnomAD below 0.00001 and 0.00003; gnomAD exomes 0.00008 and 0.00020; ExAC 0.00019; 1000 Genomes Project 0.00020; 1000 Genomes Project 30x 0.00031.
gnomAD v4.1: 117 of 1,582,586 alleles (0.0074%); highest among the groups gnomAD compares: South Asian, 0.13%; no homozygotes.

Submissions (4):

Ambry Genetics
Classification: Likely benign for Inborn genetic diseases. Last evaluated: 2025-05-16. Review status: criteria provided, single submitter. Criteria: Ambry Variant Classification Scheme 2023. Collection method: clinical testing. Allele origin: germline.

Labcorp Genetics (formerly Invitae), Labcorp
Classification: Likely benign for Joubert syndrome 21. Last evaluated: 2025-03-31. Review status: criteria provided, single submitter. Criteria: Invitae Variant Classification Sherloc (09022015). Collection method: clinical testing. Allele origin: germline.

Blueprint Genetics
Classification: Likely benign. Last evaluated: 2024-11-25. Review status: criteria provided, single submitter. Criteria: ACMG Guidelines, 2015. Collection method: clinical testing. Allele origin: germline.

PreventionGenetics, part of Exact Sciences
Classification: Likely benign for CSPP1-related condition. Last evaluated: 2019-07-03. Review status: no assertion criteria provided. Collection method: clinical testing. Allele origin: germline. Not counted in ClinVar's aggregate classification.
Comment: This variant is classified as likely benign based on ACMG/AMP sequence variant interpretation guidelines (Richards et al. 2015 PMID: 25741868, with internal and published modifications).

NM_001382391.1(CSPP1):c.114G>A (p.Ala38=)

Gene: CSPP1 (centrosome and spindle pole associated protein 1; plus strand). Cytogenetic location: 8q13.1.
Variant type: single nucleotide variant.
Coding change: c.114G>A on transcript NM_001382391.1 (MANE Select); coding-DNA position 114, G replaced by A.
Protein change: p.Ala38=; no amino-acid change (alanine 38 retained).
Molecular consequence: synonymous variant.
Genome position (GRCh38, 1-based): chr8:67,076,496, G>A. VCF-style: chr8-67076496-G-A. GRCh37 (hg19) VCF-style: chr8-67988731-G-A.
Other names: c.114G>A, p.Ala38= (NM_001363131.2, NM_001363132.2, NM_001363133.2); c.222G>A, p.Ala74= (NM_001364869.1, NM_001364870.1, NM_024790.7).
Identifiers: ClinVar variation 760329 (VCV000760329.13), dbSNP rs566786304, ClinGen allele CA4770144.